The following is an entry in ClinVar:

NM_001378454.1(ALMS1):c.10652A>G (p.Asn3551Ser)

Gene: ALMS1 (ALMS1 centrosome and basal body associated protein; plus strand). Cytogenetic location: 2p13.1.
Variant type: single nucleotide variant.
Coding change: c.10652A>G on transcript NM_001378454.1 (MANE Select); coding-DNA position 10652, A replaced by G.
Protein change: p.Asn3551Ser; replaces asparagine 3551 with serine.
Molecular consequence: missense variant.
Genome position (GRCh38, 1-based): chr2:73,572,529, A>G. VCF-style: chr2-73572529-A-G. GRCh37 (hg19) VCF-style: chr2-73799656-A-G.
Other names: c.10655A>G, p.Asn3552Ser (NM_015120.4); short protein forms N3551S, N3552S.
Identifiers: ClinVar variation 1311333 (VCV001311333.6), dbSNP rs868744829, ClinGen allele CA50386346.

ClinVar aggregate classification (germline): Uncertain significance. Review status: criteria provided, multiple submitters, no conflicts (2 of 4 stars). 3 submissions from 3 submitters: Uncertain significance (3). Last evaluated 2023-09-29.

Conditions:
Alstrom syndrome (ALMS). Identifiers: Orphanet 64, MedGen C0268425, MONDO:0008763, OMIM 203800.
Cardiovascular phenotype. Identifiers: MedGen CN230736.

Allele frequency attached by ClinVar (database versions not stated): TOPMed below 0.00001; gnomAD exomes 0.00001.
gnomAD v4.1: 8 of 1,613,824 alleles (0.0005%); highest among the groups gnomAD compares: South Asian, 0.0011%; no homozygotes.

Submissions (3):

Ambry Genetics
Classification: Uncertain significance for Cardiovascular phenotype. Last evaluated: 2023-09-29. Review status: criteria provided, single submitter. Criteria: Ambry Variant Classification Scheme 2023. Collection method: clinical testing. Allele origin: germline.
Comment: The p.N3552S variant (also known as c.10655A>G), located in coding exon 16 of the ALMS1 gene, results from an A to G substitution at nucleotide position 10655. The asparagine at codon 3552 is replaced by serine, an amino acid with highly similar properties. This amino acid position is not well conserved in available vertebrate species. In addition, this alteration is predicted to be tolerated by in silico analysis. Since supporting evidence is limited at this time, the clinical significance of this alteration remains unclear.

Labcorp Genetics (formerly Invitae), Labcorp
Classification: Uncertain significance for Alstrom syndrome. Last evaluated: 2021-10-13. Review status: criteria provided, single submitter. Criteria: Invitae Variant Classification Sherloc (09022015). Collection method: clinical testing. Allele origin: germline.
Comment: This sequence change replaces asparagine with serine at codon 3552 of the ALMS1 protein (p.Asn3552Ser). The asparagine residue is moderately conserved and there is a small physicochemical difference between asparagine and serine. This variant is not present in population databases (ExAC no frequency). This variant has not been reported in the literature in individuals affected with ALMS1-related conditions. Algorithms developed to predict the effect of missense changes on protein structure and function are either unavailable or do not agree on the potential impact of this missense change (SIFT: "Not Available"; PolyPhen-2: "Not Available"; Align-GVGD: "Not Available"). In summary, the available evidence is currently insufficient to determine the role of this variant in disease. Therefore, it has been classified as a Variant of Uncertain Significance.

GeneDx
Classification: Uncertain significance. Last evaluated: 2019-12-23. Review status: criteria provided, single submitter. Criteria: GeneDx Variant Classification Process June 2021. Collection method: clinical testing. Allele origin: germline. Affected: yes.
Comment: Not observed in large population cohorts (Lek et al., 2016); In silico analysis, which includes protein predictors and evolutionary conservation, supports a deleterious effect; Has not been previously published as pathogenic or benign to our knowledge